The following is an entry in ClinVar:

NM_015215.4(CAMTA1):c.4781G>A (p.Arg1594Gln)

Gene: CAMTA1 (calmodulin binding transcription activator 1; plus strand). Cytogenetic location: 1p36.23.
Variant type: single nucleotide variant.
Coding change: c.4781G>A on transcript NM_015215.4 (MANE Select); coding-DNA position 4781, G replaced by A.
Protein change: p.Arg1594Gln; replaces arginine 1594 with glutamine.
Molecular consequence: missense variant.
Genome position (GRCh38, 1-based): chr1:7,751,290, G>A. VCF-style: chr1-7751290-G-A. GRCh37 (hg19) VCF-style: chr1-7811350-G-A.
Other names: c.4691G>A, p.Arg1564Gln (NM_001349608.2); c.4463G>A, p.Arg1488Gln (NM_001349609.2, NM_001349610.2); c.4373G>A, p.Arg1458Gln (NM_001349612.2); c.1910G>A, p.Arg637Gln (NM_001349613.1); c.1874G>A, p.Arg625Gln (NM_001349614.1, NM_001349615.2, NM_001349616.2); c.1853G>A, p.Arg618Gln (NM_001349617.1, NM_001349618.2); c.1535G>A, p.Arg512Gln (NM_001349619.2, NM_001349620.1, NM_001349621.1 and 1 more transcripts); c.1514G>A, p.Arg505Gln (NM_001349623.1, NM_001349624.3, NM_001349625.2 and 1 more transcripts); and 2 more; short protein forms R1488Q, R1564Q, R505Q, R1457Q, R1594Q, R618Q, R637Q, R1458Q.
Identifiers: ClinVar variation 1908888 (VCV001908888.6), dbSNP rs753292802, ClinGen allele CA567251.

ClinVar aggregate classification (germline): Uncertain significance. Review status: criteria provided, multiple submitters, no conflicts (2 of 4 stars). 2 submissions from 2 submitters: Uncertain significance (2). Last evaluated 2022-07-04.

Conditions:
Inborn genetic diseases. Identifiers: MedGen C0950123, MeSH D030342.

Allele frequency attached by ClinVar (database versions not stated): gnomAD 0.00003; TOPMed 0.00003; ExAC 0.00004; gnomAD exomes 0.00004.
gnomAD v4.1: 72 of 1,612,778 alleles (0.0045%); highest among the groups gnomAD compares: Non-Finnish European, 0.0053%; no homozygotes.

Submissions (2):

Labcorp Genetics (formerly Invitae), Labcorp
Classification: Uncertain significance. Last evaluated: 2022-07-04. Review status: criteria provided, single submitter. Criteria: Invitae Variant Classification Sherloc (09022015). Collection method: clinical testing. Allele origin: germline.
Comment: In summary, the available evidence is currently insufficient to determine the role of this variant in disease. Therefore, it has been classified as a Variant of Uncertain Significance. Algorithms developed to predict the effect of missense changes on protein structure and function are either unavailable or do not agree on the potential impact of this missense change (SIFT: "Tolerated"; PolyPhen-2: "Probably Damaging"; Align-GVGD: "Class C0"). This variant has not been reported in the literature in individuals affected with CAMTA1-related conditions. This variant is present in population databases (rs753292802, gnomAD 0.004%). This sequence change replaces arginine, which is basic and polar, with glutamine, which is neutral and polar, at codon 1594 of the CAMTA1 protein (p.Arg1594Gln).

Ambry Genetics
Classification: Uncertain significance for Inborn genetic diseases. Last evaluated: 2021-04-28. Review status: criteria provided, single submitter. Criteria: Ambry Variant Classification Scheme 2023. Collection method: clinical testing. Allele origin: germline.